The following is an entry in ClinVar:

ClinVar aggregate classification (germline): Uncertain significance (1 of 4 stars; one submission).

Submission:

Labcorp Genetics (formerly Invitae), Labcorp
Classification: Uncertain significance. Last evaluated: 2022-02-08. Review status: criteria provided, single submitter. Criteria: Invitae Variant Classification Sherloc (09022015). Collection method: clinical testing. Allele origin: germline.
Comment: This variant is not present in population databases (gnomAD no frequency). This sequence change replaces aspartic acid, which is acidic and polar, with histidine, which is basic and polar, at codon 910 of the FBXO11 protein (p.Asp910His). This variant disrupts the p.Asp910 amino acid residue in FBXO11. Other variant(s) that disrupt this residue have been determined to be pathogenic (PMID: 30057029). This suggests that this residue is clinically significant, and that variants that disrupt this residue are likely to be disease-causing. Algorithms developed to predict the effect of missense changes on protein structure and function (SIFT, PolyPhen-2, Align-GVGD) all suggest that this variant is likely to be disruptive. This variant has not been reported in the literature in individuals affected with FBXO11-related conditions. In summary, the available evidence is currently insufficient to determine the role of this variant in disease. Therefore, it has been classified as a Variant of Uncertain Significance.

Literature cited by the submitters: PubMed 30057029.

NM_001190274.2(FBXO11):c.2728G>C (p.Asp910His)

Genes: FBXO11 (F-box protein 11; minus strand), MSH6 (mutS homolog 6; plus strand). Cytogenetic location: 2p16.3.
Variant type: single nucleotide variant.
Coding change: c.2728G>C on transcript NM_001190274.2 (MANE Select); coding-DNA position 2728, G replaced by C.
Protein change: p.Asp910His; replaces aspartic acid 910 with histidine.
Molecular consequence: missense variant.
Genome position (GRCh38, 1-based): chr2:47,808,174, C>G on the plus strand (G>C on the coding strand, the complement: FBXO11 is on the minus strand). VCF-style: chr2-47808174-C-G. GRCh37 (hg19) VCF-style: chr2-48035313-C-G.
Other names: c.2476G>C, p.Asp826His (NM_001374325.1, NM_025133.4); short protein forms D826H, D910H.
Identifiers: ClinVar variation 2095242 (VCV002095242.4), dbSNP rs2104610803, ClinGen allele CA346761915.